The following is an entry in ClinVar:

NM_004999.4(MYO6):c.271G>A (p.Ala91Thr)

Gene: MYO6 (myosin VI; plus strand). Cytogenetic location: 6q14.1.
Variant type: single nucleotide variant.
Coding change: c.271G>A on transcript NM_004999.4 (MANE Select); coding-DNA position 271, G replaced by A.
Protein change: p.Ala91Thr; replaces alanine 91 with threonine.
Molecular consequence: missense variant. On other transcripts: non-coding transcript variant (2).
Genome position (GRCh38, 1-based): chr6:75,830,425, G>A. VCF-style: chr6-75830425-G-A. GRCh37 (hg19) VCF-style: chr6-76540142-G-A.
Other names: c.271G>A, p.Ala91Thr (NM_001300899.2, NM_001368136.1, NM_001368137.1 and 5 more transcripts); short protein forms A91T.
Identifiers: ClinVar variation 1065090 (VCV001065090.11), dbSNP rs573770611, ClinGen allele CA3896798.
Genomic context (GRCh38, chr6:75,830,425, plus strand): 5'-TAAATGAAAATAGTAATTGGAATATTTTATGTTTATGCTTTTCGTATTTAGACATATGTC[G>A]CCAACATTCTGATTGCAGTGAATCCATACTTTGACATACCTAAAATATATTCTTCAGAAG-3'
Protein context (NP_004990.3, residues 81-101): YSKDRIYTYV[Ala91Thr]NILIAVNPYF

ClinVar aggregate classification (germline): Uncertain significance. Review status: criteria provided, multiple submitters, no conflicts (2 of 4 stars). 5 submissions from 5 submitters: Uncertain significance (5). Last evaluated 2026-07-20.

Conditions:
MYO6-related disorder. Also called: MYO6-related disorders; MYO6-related condition.
Hearing impairment. Also called: Impaired Hearing. Identifiers: MedGen C1384666, MONDO:0005365, HP:0000365.

Allele frequency attached by ClinVar (database versions not stated): gnomAD exomes 0.00005 and 0.00008; ExAC 0.00008; gnomAD 0.00013; TOPMed 0.00022.
gnomAD v4.1: 98 of 1,610,376 alleles (0.0061%); highest among the groups gnomAD compares: Middle Eastern, 0.15%; no homozygotes.

Submissions (5):

PreventionGenetics, part of Exact Sciences
Classification: Uncertain significance for MYO6-related condition. Last evaluated: 2026-07-20. Review status: criteria provided, single submitter. Criteria: ACMG Guidelines, 2015. Collection method: clinical testing. Allele origin: germline.
Comment: The MYO6 c.271G>A variant is predicted to result in the amino acid substitution p.Ala91Thr. This variant has been reported in the heterozygous state in an individual with sensorineural hearing impairment (Table S4, Zazo Seco et al. 2017. PubMed ID: 28000701). This variant is reported in 0.011% of alleles in individuals of European (Non-Finnish) descent in gnomAD. At this time, the clinical significance of this variant is uncertain due to the absence of conclusive functional and genetic evidence.

Labcorp Genetics (formerly Invitae), Labcorp
Classification: Uncertain significance. Last evaluated: 2025-09-04. Review status: criteria provided, single submitter. Criteria: Invitae Variant Classification Sherloc (09022015). Collection method: clinical testing. Allele origin: germline.
Comment: This sequence change replaces alanine, which is neutral and non-polar, with threonine, which is neutral and polar, at codon 91 of the MYO6 protein (p.Ala91Thr). This variant is present in population databases (rs573770611, gnomAD 0.01%). This missense change has been observed in individual(s) with sensorineural hearing impairment (PMID: 28000701). ClinVar contains an entry for this variant (Variation ID: 1065090). Invitae Evidence Modeling of protein sequence and biophysical properties (such as structural, functional, and spatial information, amino acid conservation, physicochemical variation, residue mobility, and thermodynamic stability) indicates that this missense variant is expected to disrupt MYO6 protein function with a positive predictive value of 80%. In summary, the available evidence is currently insufficient to determine the role of this variant in disease. Therefore, it has been classified as a Variant of Uncertain Significance.

Blueprint Genetics
Classification: Uncertain significance. Last evaluated: 2024-03-02. Review status: criteria provided, single submitter. Criteria: ACMG Guidelines, 2015. Collection method: clinical testing. Allele origin: germline.

GeneDx
Classification: Uncertain significance. Last evaluated: 2022-05-31. Review status: criteria provided, single submitter. Criteria: GeneDx Variant Classification Process June 2021. Collection method: clinical testing. Allele origin: germline. Affected: yes.
Comment: Identified in a patient with unilateral sensorineural hearing loss in published literature, interpreted as a variant of uncertain significance (Zazo Seco et al., 2017); In silico analysis supports that this missense variant has a deleterious effect on protein structure/function; In silico analysis suggests this variant may impact gene splicing. In the absence of RNA/functional studies, the actual effect of this sequence change is unknown.; This variant is associated with the following publications: (PMID: 28000701)

Department of Otolaryngology – Head & Neck Surgery, Cochlear Implant Center
Classification: Uncertain significance for Hearing impairment. Last evaluated: 2021-04-12. Review status: criteria provided, single submitter. Criteria: ClinGen HL ACMG Specifications v1. Collection method: clinical testing. Allele origin: germline. Affected: yes.
Comment: PM2_Moderate, PP3_Supporting

Literature cited by the submitters: PubMed 28000701 (cited by Labcorp Genetics (formerly Invitae), Labcorp).